The following is an entry in ClinVar:

NM_001243133.2(NLRP3):c.1783A>G (p.Ser595Gly)

Gene: NLRP3 (NLR family pyrin domain containing 3; plus strand). Cytogenetic location: 1q44.
Variant type: single nucleotide variant.
Coding change: c.1783A>G on transcript NM_001243133.2 (MANE Select); coding-DNA position 1783, A replaced by G.
Protein change: p.Ser595Gly; replaces serine 595 with glycine.
Molecular consequence: missense variant.
Genome position (GRCh38, 1-based): chr1:247,425,232, A>G. VCF-style: chr1-247425232-A-G. GRCh37 (hg19) VCF-style: chr1-247588534-A-G.
Other names: c.1783A>G, p.Ser595Gly (NM_001079821.3, NM_001127461.3, NM_001127462.3 and 1 more transcripts); c.1789A>G, p.Ser597Gly (NM_004895.5); short protein forms S597G, S595G.
Identifiers: ClinVar variation 449311 (VCV000449311.2), dbSNP rs1553287287, ClinGen allele CA345557805.

ClinVar aggregate classification (germline): Likely pathogenic (1 of 4 stars; one submission).

Submission:

GeneDx
Classification: Likely pathogenic. Last evaluated: 2017-07-25. Review status: criteria provided, single submitter. Criteria: GeneDx Variant Classification (06012015). Collection method: clinical testing. Allele origin: germline. Affected: yes.
Comment: The S597G variant in the NLRP3 gene has been reported previously (as S595G due to the use of alternative nomenclature) as a de novo finding in an individual with features of CINCA syndrome including recurrent fevers, arthritis, urticarial rash, hearing loss, uveitis, optic nerve atrophy, and intellectual disability (Kanariou et al., 2009). This variant is not observed in large population cohorts (Lek et al., 2016; 1000 Genomes Consortium et al., 2015; Exome Variant Server). The S597G variant is a non-conservative amino acid substitution, which is likely to impact secondary protein structure as these residues differ in polarity, charge, size and/or other properties. This substitution occurs at a position that is conserved in mammals. In silico analysis predicts this variant likely does not alter the protein structure/function. We interpret S597G as a likely pathogenic variant.